The following is an entry in ClinVar:

ClinVar aggregate classification (germline): Uncertain significance (1 of 4 stars; one submission).

gnomAD v4.1: 24 of 1,614,068 alleles (0.0015%); highest among the groups gnomAD compares: African/African-American, 0.011%; no homozygotes.

Submission:

Women's Health and Genetics/Laboratory Corporation of America, LabCorp
Classification: Uncertain significance. Last evaluated: 2026-06-05. Review status: criteria provided, single submitter. Criteria: LabCorp Variant Classification Summary - May 2015. Collection method: clinical testing. Allele origin: germline.
Comment: Variant summary: TUBGCP6 c.2198G>A (p.Ser733Asn) results in a conservative amino acid change in the encoded protein sequence. Algorithms developed to predict the effect of missense changes on protein structure and function are either unavailable or do not agree on the potential impact of this missense change. The variant allele was found at a frequency of 8e-06 in 251388 control chromosomes. The available data on variant occurrences in the general population are insufficient to allow any conclusion about variant significance. To our knowledge, no occurrence of c.2198G>A in individuals affected with TUBGCP6-related conditions and no experimental evidence demonstrating its impact on protein function have been reported. No submitters have cited clinical-significance assessments for this variant to ClinVar. Based on the evidence outlined above, the variant was classified as uncertain significance.

NM_020461.4(TUBGCP6):c.2198G>A (p.Ser733Asn)

Gene: TUBGCP6 (tubulin gamma complex component 6; minus strand). Cytogenetic location: 22q13.33.
Variant type: single nucleotide variant.
Coding change: c.2198G>A on transcript NM_020461.4 (MANE Select); coding-DNA position 2198, G replaced by A.
Protein change: p.Ser733Asn; replaces serine 733 with asparagine.
Molecular consequence: missense variant.
Genome position (GRCh38, 1-based): chr22:50,224,213, C>T on the plus strand (G>A on the coding strand, the complement: TUBGCP6 is on the minus strand). VCF-style: chr22-50224213-C-T. GRCh37 (hg19) VCF-style: chr22-50662642-C-T.
Other names: short protein forms S733N.
Identifiers: ClinVar variation 4887483 (VCV004887483.1).